The following is an entry in ClinVar:

NC_000018.9:g.21124907_21124908insCCCG

Gene: NPC1 (NPC intracellular cholesterol transporter 1; minus strand).
Variant type: Insertion.
Identifiers: ClinVar variation 1661006 (VCV001661006.9), dbSNP rs1555634620, ClinGen allele CA777724955.

ClinVar aggregate classification (germline): Likely benign. Review status: criteria provided, multiple submitters, no conflicts (2 of 4 stars). 2 submissions from 2 submitters: Likely benign (2). Last evaluated 2025-11-18.

Conditions:
NPC1-related disorder. Also called: NPC1-related condition.
Niemann-Pick disease, type C1. Also called: NEUROVISCERAL STORAGE DISEASE WITH VERTICAL SUPRANUCLEAR OPHTHALMOPLEGIA; NIEMANN-PICK DISEASE WITH CHOLESTEROL ESTERIFICATION BLOCK; NIEMANN-PICK DISEASE WITHOUT SPHINGOMYELINASE DEFICIENCY; NIEMANN-PICK DISEASE, CHRONIC NEURONOPATHIC FORM; NIEMANN-PICK DISEASE, VARIANT TYPE C1. Identifiers: Orphanet 646, MedGen C3179455, MONDO:0009757, OMIM 257220.

Submissions (2):

Labcorp Genetics (formerly Invitae), Labcorp
Classification: Likely benign for Niemann-Pick disease, type C1. Last evaluated: 2025-11-18. Review status: criteria provided, single submitter. Criteria: Invitae Variant Classification Sherloc (09022015). Collection method: clinical testing. Allele origin: germline.

PreventionGenetics, part of Exact Sciences
Classification: Likely benign for NPC1-related condition. Last evaluated: 2025-02-17. Review status: criteria provided, single submitter. Criteria: ACMG Guidelines, 2015. Collection method: clinical testing. Allele origin: germline.
Comment: This variant is classified as likely benign based on ACMG/AMP sequence variant interpretation guidelines (Richards et al. 2015 PMID: 25741868, with internal and published modifications).